The following is an entry in ClinVar:

NM_001080517.3(SETD5):c.2917T>C (p.Ser973Pro)

Gene: SETD5 (SET domain containing 5; plus strand). Cytogenetic location: 3p25.3.
Variant type: single nucleotide variant.
Coding change: c.2917T>C on transcript NM_001080517.3 (MANE Select); coding-DNA position 2917, T replaced by C.
Protein change: p.Ser973Pro; replaces serine 973 with proline.
Molecular consequence: missense variant.
Genome position (GRCh38, 1-based): chr3:9,470,651, T>C. VCF-style: chr3-9470651-T-C. GRCh37 (hg19) VCF-style: chr3-9512335-T-C.
Other names: c.2623T>C, p.Ser875Pro (NM_001292043.2, NM_001349451.2); c.3013T>C, p.Ser1005Pro (NM_001437633.1); c.3031T>C, p.Ser1011Pro (NM_001437635.1); c.2974T>C, p.Ser992Pro (NM_001437643.1); c.2956T>C, p.Ser986Pro (NM_001437701.1); short protein forms S1005P, S1011P, S875P, S973P, S986P, S992P.
Identifiers: ClinVar variation 5020361 (VCV005020361.1).
Genomic context (GRCh38, chr3:9,470,651, plus strand): 5'-ACTTCTGAGACTGGTTTCCCAAGCAGAAGTGGAGATGGACATCAGACCCTCGTGAGAAAC[T>C]CAGACCAGGCATTTCGGACAGAGTTCAACTTGATGTATGCCTACTCCCCTTTGAATGCTA-3'
Protein context (NP_001073986.1, residues 963-983): GDGHQTLVRN[Ser973Pro]DQAFRTEFNL

ClinVar aggregate classification (germline): Uncertain significance (1 of 4 stars; one submission).

Submission:

Dasa
Classification: Uncertain significance. Last evaluated: 2026-06-16. Review status: criteria provided, single submitter. Criteria: DASA Assertion Criteria. Collection method: clinical testing. Allele origin: germline.
Comment: NM_001080517.3(SETD5):c.2917T>C (p.Ser973Pro) is a missense variant that results in the substitution of serine with proline. This variant is absent from population databases. The currently available literature and clinical evidence are not sufficient to establish a definitive association between this variant and the reported condition. Therefore, this variant is classified as a variant of uncertain significance.